The following is an entry in ClinVar:

NM_177438.3(DICER1):c.3356A>G (p.Asp1119Gly)

Gene: DICER1 (dicer 1, ribonuclease III; minus strand). Cytogenetic location: 14q32.13.
Variant type: single nucleotide variant.
Coding change: c.3356A>G on transcript NM_177438.3 (MANE Select); coding-DNA position 3356, A replaced by G.
Protein change: p.Asp1119Gly; replaces aspartic acid 1119 with glycine.
Molecular consequence: missense variant. On other transcripts: non-coding transcript variant (6).
Genome position (GRCh38, 1-based): chr14:95,104,040, T>C on the plus strand (A>G on the coding strand, the complement: DICER1 is on the minus strand). VCF-style: chr14-95104040-T-C. GRCh37 (hg19) VCF-style: chr14-95570377-T-C.
Other names: c.3356A>G, p.Asp1119Gly (NM_001195573.1, NM_001271282.3, NM_001291628.2 and 13 more transcripts); c.3074A>G, p.Asp1025Gly (NM_001395686.1); c.2951A>G, p.Asp984Gly (NM_001395687.1, NM_001395688.1, NM_001395689.1 and 2 more transcripts); c.2789A>G, p.Asp930Gly (NM_001395691.1); c.1673A>G, p.Asp558Gly (NM_001395697.1); short protein forms D930G, D984G, D1119G, D1025G, D558G.
Identifiers: ClinVar variation 2038114 (VCV002038114.7), dbSNP rs2542719164, ClinGen allele CA390875775.
Genomic context (GRCh38, chr14:95,104,040, plus strand): 5'-CTATTAGCACCTTGATGTGCAGCATTTTCAGGGACAATTGTGCTGTGCTTACAGTAATTA[T>C]CATTTTCAGCTGAAGAGGAGTTAGAAATTGAGATGAAAGATTTGCTGTCAATAGATTTTT-3'
Protein context (NP_803187.1, residues 1109-1129): SISNSSSAEN[Asp1119Gly]NYCKHSTIVP

ClinVar aggregate classification (germline): Uncertain significance. Review status: criteria provided, multiple submitters, no conflicts (2 of 4 stars). 2 submissions from 2 submitters: Uncertain significance (2). Last evaluated 2025-11-07.

Conditions:
Hereditary cancer-predisposing syndrome. Also called: Tumor predisposition; Hereditary neoplastic syndrome; Neoplastic Syndromes, Hereditary; Hereditary Cancer Syndrome. Identifiers: Orphanet 140162, MedGen C0027672, MeSH D009386, MONDO:0015356.
DICER1-related tumor predisposition. Also called: DICER1-related pleuropulmonary blastoma cancer predisposition syndrome; DICER1 syndrome. Identifiers: Orphanet 284343, MedGen C3839822, MONDO:0100216.

Submissions (2):

Ambry Genetics
Classification: Uncertain significance for Hereditary cancer-predisposing syndrome. Last evaluated: 2025-11-07. Review status: criteria provided, single submitter. Criteria: Ambry Variant Classification Scheme 2023. Collection method: clinical testing. Allele origin: germline.
Comment: The p.D1119G variant (also known as c.3356A>G), located in coding exon 20 of the DICER1 gene, results from an A to G substitution at nucleotide position 3356. The aspartic acid at codon 1119 is replaced by glycine, an amino acid with similar properties. This amino acid position is not well conserved in available vertebrate species. In addition, the in silico prediction for this alteration is inconclusive. Based on the available evidence, the clinical significance of this variant remains unclear.

Labcorp Genetics (formerly Invitae), Labcorp
Classification: Uncertain significance for DICER1-related tumor predisposition. Last evaluated: 2024-01-27. Review status: criteria provided, single submitter. Criteria: Invitae Variant Classification Sherloc (09022015). Collection method: clinical testing. Allele origin: germline.
Comment: This sequence change replaces aspartic acid, which is acidic and polar, with glycine, which is neutral and non-polar, at codon 1119 of the DICER1 protein (p.Asp1119Gly). This variant is not present in population databases (gnomAD no frequency). This variant has not been reported in the literature in individuals affected with DICER1-related conditions. ClinVar contains an entry for this variant (Variation ID: 2038114). Advanced modeling of protein sequence and biophysical properties (such as structural, functional, and spatial information, amino acid conservation, physicochemical variation, residue mobility, and thermodynamic stability) performed at Invitae indicates that this missense variant is not expected to disrupt DICER1 protein function with a negative predictive value of 80%. In summary, the available evidence is currently insufficient to determine the role of this variant in disease. Therefore, it has been classified as a Variant of Uncertain Significance.